The following is an entry in ClinVar:

ClinVar aggregate classification (germline): Uncertain significance (1 of 4 stars; one submission).

Conditions:
Ataxia-telangiectasia syndrome (AT). Also called: Ataxia-telangiectasia, complementation group D; AT, COMPLEMENTATION GROUP C; ATAXIA-TELANGIECTASIA, COMPLEMENTATION GROUP A; ATAXIA-TELANGIECTASIA, FRESNO VARIANT; Ataxia-telangiectasia; Ataxia-telangiectasia, complementation group E. Identifiers: Orphanet 100, MedGen C0004135, MONDO:0008840, OMIM 208900.

Submission:

Labcorp Genetics (formerly Invitae), Labcorp
Classification: Uncertain significance for Ataxia-telangiectasia syndrome. Last evaluated: 2024-06-19. Review status: criteria provided, single submitter. Criteria: Invitae Variant Classification Sherloc (09022015). Collection method: clinical testing. Allele origin: germline.
Comment: This sequence change replaces proline, which is neutral and non-polar, with alanine, which is neutral and non-polar, at codon 2842 of the ATM protein (p.Pro2842Ala). This variant is not present in population databases (gnomAD no frequency). This variant has not been reported in the literature in individuals affected with ATM-related conditions. An algorithm developed to predict the effect of missense changes on protein structure and function (PolyPhen-2) suggests that this variant is likely to be disruptive. In summary, the available evidence is currently insufficient to determine the role of this variant in disease. Therefore, it has been classified as a Variant of Uncertain Significance.

NM_000051.4(ATM):c.8524C>G (p.Pro2842Ala)

Genes: ATM (ATM serine/threonine kinase; plus strand), C11orf65 (chromosome 11 open reading frame 65; minus strand). Cytogenetic location: 11q22.3.
Variant type: single nucleotide variant.
Coding change: c.8524C>G on transcript NM_000051.4 (MANE Select); coding-DNA position 8524, C replaced by G.
Protein change: p.Pro2842Ala; replaces proline 2842 with alanine.
Molecular consequence: missense variant. On other transcripts: intron variant (2).
Genome position (GRCh38, 1-based): chr11:108,345,848, C>G. VCF-style: chr11-108345848-C-G. GRCh37 (hg19) VCF-style: chr11-108216575-C-G.
Other names: c.8524C>G, p.Pro2842Ala (NM_001351834.2); c.641-36777G>C (NM_001330368.2); c.695-10556G>C (NM_001351110.2); short protein forms P2842A.
Identifiers: ClinVar variation 3690403 (VCV003690403.2).